The following is an entry in ClinVar:

NM_032387.5(WNK4):c.3022+3A>G

Gene: WNK4 (WNK lysine deficient protein kinase 4; plus strand). Cytogenetic location: 17q21.2.
Variant type: single nucleotide variant.
Coding change: c.3022+3A>G on transcript NM_032387.5 (MANE Select); 3 bases into the intron after coding-DNA position 3022, A replaced by G.
Molecular consequence: intron variant.
Genome position (GRCh38, 1-based): chr17:42,795,524, A>G. VCF-style: chr17-42795524-A-G. GRCh37 (hg19) VCF-style: chr17-40947542-A-G.
Other names: c.2014+3A>G (NM_001321299.2).
Identifiers: ClinVar variation 323349 (VCV000323349.5), dbSNP rs146903073, ClinGen allele CA8584490.
Genomic context (GRCh38, chr17:42,795,524, plus strand): 5'-TCACCACCTCCTGCTCGGCCCCTCCCAGGGGAAGCCAGGCTGGCGCCCATCTCTGAAGGT[A>G]AGGCCTCTGACCACTGACCTTCCCCTGCCATTATCCCTACTCACTGTCTGTCCTGTCACT-3'

ClinVar aggregate classification (germline): Benign (1 of 4 stars; one submission).

Conditions:
Pseudohypoaldosteronism type 2B (PHA2B). Also called: Pseudohypoaldosteronism Type IIB. Identifiers: Orphanet 757, Orphanet 88939, MedGen C1840390, MONDO:0013777, OMIM 614491.

Allele frequency attached by ClinVar (database versions not stated): gnomAD exomes below 0.00001; TOPMed below 0.00001; ExAC 0.00001; gnomAD 0.00001; 1000 Genomes Project 30x 0.00031; 1000 Genomes Project 0.00040.

Submission:

Illumina Laboratory Services, Illumina
Classification: Benign for Pseudohypoaldosteronism type 2B. Last evaluated: 2018-01-13. Review status: criteria provided, single submitter. Criteria: ICSL Variant Classification Criteria 13 December 2019. Collection method: clinical testing. Allele origin: germline.
Comment: This variant was observed in the ICSL laboratory as part of a predisposition screen in an ostensibly healthy population. It had not been previously curated by ICSL or reported in the Human Gene Mutation Database (HGMD: prior to June 1st, 2018), and was therefore a candidate for classification through an automated scoring system. Utilizing variant allele frequency, disease prevalence and penetrance estimates, and inheritance mode, an automated score was calculated to assess if this variant is too frequent to cause the disease. Based on the score and internal cut-off values, a variant classified as benign is not then subjected to further curation. The score for this variant resulted in a classification of benign for this disease.